The following is an entry in ClinVar:

NM_178335.3(CCDC50):c.976+6A>G

Gene: CCDC50 (coiled-coil domain containing 50; plus strand). Cytogenetic location: 3q28.
Variant type: single nucleotide variant.
Coding change: c.976+6A>G on transcript NM_178335.3 (MANE Select); 6 bases into the intron after coding-DNA position 976, A replaced by G.
Molecular consequence: intron variant.
Genome position (GRCh38, 1-based): chr3:191,375,595, A>G. VCF-style: chr3-191375595-A-G. GRCh37 (hg19) VCF-style: chr3-191093384-A-G.
Other names: p.?; c.449-4564A>G (NM_174908.4).
Identifiers: ClinVar variation 48160 (VCV000048160.17), dbSNP rs4677729, ClinGen allele CA142725.

ClinVar aggregate classification (germline): Benign. Review status: criteria provided, multiple submitters, no conflicts (2 of 4 stars). 7 submissions from 7 submitters: Benign (7). Last evaluated 2026-02-03.

Conditions:
Autosomal dominant nonsyndromic hearing loss 44. Identifiers: Orphanet 90635, MedGen C1843895, MONDO:0011832, OMIM 607453.

Allele frequency attached by ClinVar (database versions not stated): gnomAD exomes 0.39980 and 0.42467; ExAC 0.43439; ESP Exome Variant Server 0.48346; gnomAD 0.48461 and 0.49066; 1000 Genomes Project 0.50160; TOPMed 0.50305; 1000 Genomes Project 30x 0.51296.
gnomAD v4.1: 657,195 of 1,610,156 alleles (41%); highest among the groups gnomAD compares: African/African-American, 68%; 137,770 homozygotes.

Submissions (7):

Labcorp Genetics (formerly Invitae), Labcorp
Classification: Benign. Last evaluated: 2026-02-03. Review status: criteria provided, single submitter. Criteria: Invitae Variant Classification Sherloc (09022015). Collection method: clinical testing. Allele origin: germline.

Genome-Nilou Lab
Classification: Benign for Autosomal dominant nonsyndromic hearing loss 44. Last evaluated: 2021-07-14. Review status: criteria provided, single submitter. Criteria: ACMG Guidelines, 2015. Collection method: clinical testing. Allele origin: germline. Affected: no.

Mayo Clinic Laboratories, Mayo Clinic
Classification: Benign. Last evaluated: 2019-06-24. Review status: criteria provided, single submitter. Criteria: ACMG Guidelines, 2015. Collection method: clinical testing. Allele origin: germline. Observed: 108 variant alleles.

GeneDx
Classification: Benign. Last evaluated: 2017-05-09. Review status: criteria provided, single submitter. Criteria: GeneDx Variant Classification (06012015). Collection method: clinical testing. Allele origin: germline. Affected: yes.
Comment: This variant is considered likely benign or benign based on one or more of the following criteria: it is a conservative change, it occurs at a poorly conserved position in the protein, it is predicted to be benign by multiple in silico algorithms, and/or has population frequency not consistent with disease.

Laboratory for Molecular Medicine, Mass General Brigham Personalized Medicine
Classification: Benign. Last evaluated: 2012-05-07. Review status: criteria provided, single submitter. Criteria: LMM Criteria. Collection method: clinical testing. Allele origin: germline. Observed: 975 variant alleles.
Comment: 976+6A>G in Intron 06 of CCDC50: This variant is not expected to have clinical s ignificance because it has been identified in 38.9% (2708/6964) of European Amer ican chromosomes from a broad population by the NHLBI Exome Sequencing Project (dbSNP rs4677729).

Breakthrough Genomics
Classification: Benign. Review status: criteria provided, single submitter. Criteria: ACMG Guidelines, 2015. Collection method: not provided. Allele origin: germline. Inheritance: Autosomal dominant inheritance. Affected: yes.

PreventionGenetics, part of Exact Sciences
Classification: Benign. Review status: criteria provided, single submitter. Criteria: ACMG Guidelines, 2015. Collection method: clinical testing. Allele origin: germline.